The following is an entry in ClinVar:

NM_001110556.2(FLNA):c.1978A>G (p.Met660Val)

Gene: FLNA (filamin A; minus strand). Cytogenetic location: Xq28.
Variant type: single nucleotide variant.
Coding change: c.1978A>G on transcript NM_001110556.2 (MANE Select); coding-DNA position 1978, A replaced by G.
Protein change: p.Met660Val; replaces methionine 660 with valine.
Molecular consequence: missense variant.
Genome position (GRCh38, 1-based): chrX:154,364,570, T>C on the plus strand (A>G on the coding strand, the complement: FLNA is on the minus strand). VCF-style: chrX-154364570-T-C. GRCh37 (hg19) VCF-style: chrX-153592938-T-C.
Other names: c.1978A>G, p.Met660Val (NM_001456.4); c.1978A>G (NM_001456.3, NM_001110556.1); short protein forms M660V.
Identifiers: ClinVar variation 2168489 (VCV002168489.6), dbSNP rs782510387, ClinGen allele CA10561039.
Genomic context (GRCh38, chrX:154,364,570, plus strand): 5'-ACAGCCTGCTCTTTACCCTGTCTGGGTGGAAGTCCTGGGGCGCGTCACGGATGTCAGCCA[T>C]GAAGGGGCTGAGGCGGATGTCTTCGCTGTTGCACAGCACGTGAACGGCATACTCGCCAGC-3'
Protein context (NP_001104026.1, residues 650-670): NSEDIRLSPF[Met660Val]ADIRDAPQDF

ClinVar aggregate classification (germline): Conflicting classifications of pathogenicity. Review status: criteria provided, conflicting classifications (1 of 4 stars). 3 submissions from 3 submitters: Uncertain significance (1); Likely benign (2). Last evaluated 2026-03-29.

Conditions:
Oto-palato-digital syndrome, type II (OPD2). Also called: FACIOPALATOOSSEOUS SYNDROME; Otopalatodigital Syndrome Type 2 (FLNA-OPD2); OPD II SYNDROME; Otopalatodigital Syndrome, Type II. Identifiers: Orphanet 669, Orphanet 90652, MedGen C1844696, MONDO:0010571, OMIM 304120.
Frontometaphyseal dysplasia (FMD1). Identifiers: Orphanet 1826, MedGen C0265293, MONDO:0015942.
Melnick-Needles syndrome (MNS). Also called: Melnick-Needles Syndrome (FLNA-MNS); MELNICK-NEEDLES OSTEODYSPLASTY; OSTEODYSPLASTY OF MELNICK AND NEEDLES. Identifiers: Orphanet 2484, MedGen C0025237, MONDO:0010650, OMIM 309350.
Heterotopia, periventricular, X-linked dominant (PVNH1). Also called: PERIVENTRICULAR NODULAR HETEROTOPIA 4; HETEROTOPIA, PERIVENTRICULAR, 1; X-linked periventricular heterotopia; PERIVENTRICULAR NODULAR HETEROTOPIA 1. Identifiers: Orphanet 2149, Orphanet 82004, MedGen C1848213, MONDO:0010233, OMIM 300049.
FLNA-related disorder.
Familial thoracic aortic aneurysm and aortic dissection (TAAD). Also called: Thoracic aortic aneurysms and dissections. Identifiers: Orphanet 91387, MedGen C4707243, MONDO:0019625.

Allele frequency attached by ClinVar (database versions not stated): gnomAD 0.00001; gnomAD exomes 0.00001; TOPMed 0.00001; ExAC 0.00002.
gnomAD v4.1: 14 of 1,208,511 alleles (0.0012%); highest among the groups gnomAD compares: South Asian, 0.016%; no homozygotes.

Submissions (3):

Ambry Genetics
Classification: Uncertain significance for Familial thoracic aortic aneurysm and aortic dissection. Last evaluated: 2026-03-29. Review status: criteria provided, single submitter. Criteria: Ambry Variant Classification Scheme 2023. Collection method: clinical testing. Allele origin: germline.
Comment: The p.M660V variant (also known as c.1978A>G), located in coding exon 12 of the FLNA gene, results from an A to G substitution at nucleotide position 1978. The methionine at codon 660 is replaced by valine, an amino acid with highly similar properties. This amino acid position is conserved. In addition, the in silico prediction for this alteration is inconclusive. Based on data from gnomAD, the G allele has an overall frequency of 0.0039% (7/180817) total alleles studied, with 2 hemizygote(s) observed. The highest observed frequency was 0.0367% (7/19058) of South Asian alleles. Based on the available evidence, the clinical significance of this variant remains unclear.

PreventionGenetics, part of Exact Sciences
Classification: Likely benign for FLNA-related condition. Last evaluated: 2026-02-17. Review status: criteria provided, single submitter. Criteria: ACMG Guidelines, 2015. Collection method: clinical testing. Allele origin: germline.
Comment: This variant is classified as likely benign based on ACMG/AMP sequence variant interpretation guidelines (Richards et al. 2015 PMID: 25741868, with internal and published modifications).

Labcorp Genetics (formerly Invitae), Labcorp
Classification: Likely benign for Oto-palato-digital syndrome, type II; Heterotopia, periventricular, X-linked dominant; Frontometaphyseal dysplasia; Melnick-Needles syndrome. Last evaluated: 2023-11-07. Review status: criteria provided, single submitter. Criteria: Invitae Variant Classification Sherloc (09022015). Collection method: clinical testing. Allele origin: germline.